The following is an entry in ClinVar:

ClinVar aggregate classification (germline): Conflicting classifications of pathogenicity. Review status: criteria provided, conflicting classifications (1 of 4 stars). 3 submissions from 3 submitters: Uncertain significance (2); Likely benign (1). Last evaluated 2026-06-18.

Conditions:
Inborn genetic diseases. Identifiers: MedGen C0950123, MeSH D030342.
PKD2-related disorder. Also called: PKD2-related condition.
Autosomal dominant polycystic kidney disease. Identifiers: Orphanet 730, MedGen C0085413, MONDO:0004691.

Allele frequency attached by ClinVar (database versions not stated): gnomAD exomes 0.00001 and 0.00003; ExAC 0.00004; gnomAD 0.00012 and 0.00014; TOPMed 0.00012; ESP Exome Variant Server 0.00015; 1000 Genomes Project 30x 0.00016; 1000 Genomes Project 0.00020.

Submissions (3):

PreventionGenetics, part of Exact Sciences
Classification: Uncertain significance for PKD2-related condition. Last evaluated: 2026-06-18. Review status: criteria provided, single submitter. Criteria: ACMG Guidelines, 2015. Collection method: clinical testing. Allele origin: germline.
Comment: The PKD2 c.1223G>T variant is predicted to result in the amino acid substitution p.Ser408Ile. To our knowledge, this variant has not been reported in the literature. This variant is reported in 0.048% of alleles in individuals of African descent in gnomAD. Although we suspect that this variant may be benign, at this time, the clinical significance of this variant is uncertain due to the absence of conclusive functional and genetic evidence.

Labcorp Genetics (formerly Invitae), Labcorp
Classification: Likely benign for Autosomal dominant polycystic kidney disease. Last evaluated: 2025-09-07. Review status: criteria provided, single submitter. Criteria: Invitae Variant Classification Sherloc (09022015). Collection method: clinical testing. Allele origin: germline.

Ambry Genetics
Classification: Uncertain significance for Inborn genetic diseases. Last evaluated: 2025-05-28. Review status: criteria provided, single submitter. Criteria: Ambry Variant Classification Scheme 2023. Collection method: clinical testing. Allele origin: germline.

NM_000297.4(PKD2):c.1223G>T (p.Ser408Ile)

Gene: PKD2 (polycystin 2, transient receptor potential cation channel; plus strand). Cytogenetic location: 4q22.1.
Variant type: single nucleotide variant.
Coding change: c.1223G>T on transcript NM_000297.4 (MANE Select); coding-DNA position 1223, G replaced by T.
Protein change: p.Ser408Ile; replaces serine 408 with isoleucine.
Molecular consequence: missense variant. On other transcripts: non-coding transcript variant (1).
Genome position (GRCh38, 1-based): chr4:88,043,361, G>T. VCF-style: chr4-88043361-G-T. GRCh37 (hg19) VCF-style: chr4-88964513-G-T.
Other names: c.1223G>T (NM_000297.3); short protein forms S408I.
Identifiers: ClinVar variation 1429700 (VCV001429700.9), dbSNP rs148386297, ClinGen allele CA3003905.
Genomic context (GRCh38, chr4:88,043,361, plus strand): 5'-GAGCTGGCTATTATCTGGATTTGTCAAGAACAAGAGAGGAAACAGCTGCACAAGTTGCTA[G>T]CCTCAAGAAAAATGTCTGGCTGGACCGAGGAACCAGGGCAACTTTTATTGACTTCTCAGT-3'
Protein context (NP_000288.1, residues 398-418): TREETAAQVA[Ser408Ile]LKKNVWLDRG